The following is an entry in ClinVar:

NM_000051.4(ATM):c.3402+9A>G

Gene: ATM (ATM serine/threonine kinase; plus strand). Cytogenetic location: 11q22.3.
Variant type: single nucleotide variant.
Coding change: c.3402+9A>G on transcript NM_000051.4 (MANE Select); 9 bases into the intron after coding-DNA position 3402, A replaced by G.
Molecular consequence: intron variant.
Genome position (GRCh38, 1-based): chr11:108,279,617, A>G. VCF-style: chr11-108279617-A-G. GRCh37 (hg19) VCF-style: chr11-108150344-A-G.
Other names: c.3402+9A>G (NM_001351834.2).
Identifiers: ClinVar variation 385302 (VCV000385302.15), dbSNP rs761919506, ClinGen allele CA6265272.
Genomic context (GRCh38, chr11:108,279,617, plus strand): 5'-AACAGCTTTTGAAAATGCATACTTGAAAGCTCAGGAAGGAATGAGAGAAATGGTAATTTT[A>G]AGTAACATGTATTTGCTGTTATCATATGCTTGCTATGAATATCCCATAAATTACTTCACC-3'

ClinVar aggregate classification (germline): Likely benign. Review status: criteria provided, multiple submitters, no conflicts (2 of 4 stars). 5 submissions from 5 submitters: Likely benign (5). Last evaluated 2025-10-14.

Conditions:
Hereditary cancer-predisposing syndrome. Also called: Neoplastic Syndromes, Hereditary; Hereditary neoplastic syndrome; Tumor predisposition; Hereditary Cancer Syndrome. Identifiers: Orphanet 140162, MedGen C0027672, MeSH D009386, MONDO:0015356.
Familial cancer of breast. Also called: BREAST CANCER, FAMILIAL; hereditary breast carcinoma; Hereditary breast cancer. Identifiers: Orphanet 227535, MedGen C0346153, MONDO:0016419, OMIM 114480. Disease mechanism: loss of function.
Ataxia-telangiectasia syndrome (AT). Also called: AT, COMPLEMENTATION GROUP C; ATAXIA-TELANGIECTASIA, COMPLEMENTATION GROUP A; ATAXIA-TELANGIECTASIA, FRESNO VARIANT; LOUIS-BAR SYNDROME; Ataxia-telangiectasia; Cerebello-oculocutaneous telangiectasia. Identifiers: Orphanet 100, MedGen C0004135, MONDO:0008840, OMIM 208900.

Allele frequency attached by ClinVar (database versions not stated): TOPMed below 0.00001; ExAC 0.00001; gnomAD 0.00001; gnomAD exomes 0.00001.
gnomAD v4.1: 13 of 1,578,910 alleles (0.00082%); highest among the groups gnomAD compares: Admixed American, 0.0017%; no homozygotes.

Submissions (5):

Labcorp Genetics (formerly Invitae), Labcorp
Classification: Likely benign for Ataxia-telangiectasia syndrome. Last evaluated: 2025-10-14. Review status: criteria provided, single submitter. Criteria: Invitae Variant Classification Sherloc (09022015). Collection method: clinical testing. Allele origin: germline.

Center for Genomic Medicine, Rigshospitalet, Copenhagen University Hospital
Classification: Likely benign. Last evaluated: 2025-03-04. Review status: criteria provided, single submitter. Criteria: ACMG Guidelines, 2015. Collection method: clinical testing. Allele origin: germline.

Myriad Genetics, Inc.
Classification: Likely benign for Familial cancer of breast. Last evaluated: 2024-05-14. Review status: criteria provided, single submitter. Criteria: Myriad Autosomal Dominant, Autosomal Recessive and X-Linked Classification Criteria (2023). Collection method: clinical testing. Allele origin: unknown.
Comment: This variant is considered likely benign. This variant is intronic and is not expected to impact mRNA splicing.

Color Diagnostics, LLC DBA Color Health
Classification: Likely benign for Hereditary cancer-predisposing syndrome. Last evaluated: 2018-10-02. Review status: criteria provided, single submitter. Criteria: ACMG Guidelines, 2015. Collection method: clinical testing. Allele origin: germline.

GeneDx
Classification: Likely benign. Last evaluated: 2017-04-05. Review status: criteria provided, single submitter. Criteria: GeneDx Variant Classification (06012015). Collection method: clinical testing. Allele origin: germline. Affected: yes.
Comment: This variant is considered likely benign or benign based on one or more of the following criteria: it is a conservative change, it occurs at a poorly conserved position in the protein, it is predicted to be benign by multiple in silico algorithms, and/or has population frequency not consistent with disease.